The following is an entry in ClinVar:

ClinVar aggregate classification (germline): Likely benign (1 of 4 stars; one submission).

Submission:

CeGaT Center for Human Genetics Tuebingen
Classification: Likely benign. Last evaluated: 2024-12-01. Review status: criteria provided, single submitter. Criteria: CeGaT Center For Human Genetics Tuebingen Variant Classification Criteria Version 2. Collection method: clinical testing. Allele origin: germline. Affected: yes. Observed: 1 variant allele.
Comment: ZIC3: PM2:Supporting, BP4, BP7

NM_003413.4(ZIC3):c.327T>C (p.Ser109=)

Gene: ZIC3 (Zic family zinc finger 3; plus strand). Cytogenetic location: Xq26.3.
Variant type: single nucleotide variant.
Coding change: c.327T>C on transcript NM_003413.4 (MANE Select); coding-DNA position 327, T replaced by C.
Protein change: p.Ser109=; no amino-acid change (serine 109 retained).
Molecular consequence: synonymous variant.
Genome position (GRCh38, 1-based): chrX:137,567,018, T>C. VCF-style: chrX-137567018-T-C. GRCh37 (hg19) VCF-style: chrX-136649177-T-C.
Other names: c.327T>C, p.Ser109= (NM_001330661.1).
Identifiers: ClinVar variation 3770802 (VCV003770802.13).